The following is an entry in ClinVar:

NM_000350.3(ABCA4):c.3363C>T (p.Asp1121=)

Gene: ABCA4 (ATP binding cassette subfamily A member 4; minus strand). Cytogenetic location: 1p22.1.
Variant type: single nucleotide variant.
Coding change: c.3363C>T on transcript NM_000350.3 (MANE Select); coding-DNA position 3363, C replaced by T.
Protein change: p.Asp1121=; no amino-acid change (aspartic acid 1121 retained).
Molecular consequence: synonymous variant.
Genome position (GRCh38, 1-based): chr1:94,041,368, G>A on the plus strand (C>T on the coding strand, the complement: ABCA4 is on the minus strand). VCF-style: chr1-94041368-G-A. GRCh37 (hg19) VCF-style: chr1-94506924-G-A.
Other names: c.3141C>T, p.Asp1047= (NM_001425324.1).
Identifiers: ClinVar variation 1132896 (VCV001132896.32), dbSNP rs146117512, ClinGen allele CA957951.

ClinVar aggregate classification (germline): Likely benign. Review status: criteria provided, multiple submitters, no conflicts (2 of 4 stars). 4 submissions from 4 submitters: Likely benign (4). Last evaluated 2025-12-03.

Conditions:
Retinal dystrophy. Also called: Inherited retinal dystrophy. Identifiers: Orphanet 71862, MedGen C0854723, MeSH D058499, MONDO:0019118, HP:0000556.

Allele frequency attached by ClinVar (database versions not stated): gnomAD 0.00014; TOPMed 0.00015; ESP Exome Variant Server 0.00023.
gnomAD v4.1: 529 of 1,613,954 alleles (0.033%); highest among the groups gnomAD compares: Non-Finnish European, 0.042%; no homozygotes.

Submissions (4):

Labcorp Genetics (formerly Invitae), Labcorp
Classification: Likely benign. Last evaluated: 2025-12-03. Review status: criteria provided, single submitter. Criteria: Invitae Variant Classification Sherloc (09022015). Collection method: clinical testing. Allele origin: germline.

Blueprint Genetics
Classification: Likely benign. Last evaluated: 2024-09-04. Review status: criteria provided, single submitter. Criteria: ACMG Guidelines, 2015. Collection method: clinical testing. Allele origin: germline.

CeGaT Center for Human Genetics Tuebingen
Classification: Likely benign. Last evaluated: 2023-12-01. Review status: criteria provided, single submitter. Criteria: CeGaT Center For Human Genetics Tuebingen Variant Classification Criteria Version 2. Collection method: clinical testing. Allele origin: germline. Affected: yes. Observed: 1 variant allele.
Comment: ABCA4: BP4, BP7

Dept Of Ophthalmology, Nagoya University
Classification: Likely benign for Retinal dystrophy. Last evaluated: 2023-10-01. Review status: criteria provided, single submitter. Criteria: Submitter's publication. Collection method: research. Allele origin: germline. Affected: yes.